The following is an entry in ClinVar:

NM_022047.4(DEF6):c.1546C>T (p.Arg516Trp)

Gene: DEF6 (DEF6 guanine nucleotide exchange factor; plus strand). Cytogenetic location: 6p21.31.
Variant type: single nucleotide variant.
Coding change: c.1546C>T on transcript NM_022047.4 (MANE Select); coding-DNA position 1546, C replaced by T.
Protein change: p.Arg516Trp; replaces arginine 516 with tryptophan.
Molecular consequence: missense variant.
Genome position (GRCh38, 1-based): chr6:35,319,982, C>T. VCF-style: chr6-35319982-C-T. GRCh37 (hg19) VCF-style: chr6-35287759-C-T.
Other names: short protein forms R516W.
Identifiers: ClinVar variation 1523117 (VCV001523117.6), dbSNP rs2150389340, ClinGen allele CA363768468.

ClinVar aggregate classification (germline): Uncertain significance (1 of 4 stars; one submission).

gnomAD v4.1: 2 of 1,563,564 alleles (0.00013%); highest among the groups gnomAD compares: Non-Finnish European, 0.00017%; no homozygotes.

Submission:

Labcorp Genetics (formerly Invitae), Labcorp
Classification: Uncertain significance. Last evaluated: 2022-09-07. Review status: criteria provided, single submitter. Criteria: Invitae Variant Classification Sherloc (09022015). Collection method: clinical testing. Allele origin: germline.
Comment: This sequence change replaces arginine, which is basic and polar, with tryptophan, which is neutral and slightly polar, at codon 516 of the DEF6 protein (p.Arg516Trp). This variant is not present in population databases (gnomAD no frequency). This variant has not been reported in the literature in individuals affected with DEF6-related conditions. ClinVar contains an entry for this variant (Variation ID: 1523117). Algorithms developed to predict the effect of missense changes on protein structure and function are either unavailable or do not agree on the potential impact of this missense change (SIFT: "Deleterious"; PolyPhen-2: "Possibly Damaging"; Align-GVGD: "Class C15"). Algorithms developed to predict the effect of sequence changes on RNA splicing suggest that this variant may disrupt the consensus splice site. In summary, the available evidence is currently insufficient to determine the role of this variant in disease. Therefore, it has been classified as a Variant of Uncertain Significance.